The following is an entry in ClinVar:

NM_012186.3(FOXE3):c.632C>T (p.Ser211Leu)

Genes: FOXE3 (forkhead box E3; plus strand), LINC01389 (long independently transcribed non-coding RNA 1389; minus strand). Cytogenetic location: 1p33.
Variant type: single nucleotide variant.
Coding change: c.632C>T on transcript NM_012186.3 (MANE Select); coding-DNA position 632, C replaced by T.
Protein change: p.Ser211Leu; replaces serine 211 with leucine.
Molecular consequence: missense variant.
Genome position (GRCh38, 1-based): chr1:47,416,947, C>T. VCF-style: chr1-47416947-C-T. GRCh37 (hg19) VCF-style: chr1-47882619-C-T.
Other names: short protein forms S211L.
Identifiers: ClinVar variation 3757585 (VCV003757585.2).

ClinVar aggregate classification (germline): Uncertain significance (1 of 4 stars; one submission).

Conditions:
Congenital primary aphakia. Also called: Anterior segment dysgenesis 2, multiple subtypes; ANTERIOR SEGMENT DYSGENESIS 2. Identifiers: Orphanet 83461, MedGen C1853230, MONDO:0012456, OMIM 610256.
Anterior segment dysgenesis. Also called: Ocular anterior segment dysgenesis. Identifiers: Orphanet 88632, MedGen C1862839, MONDO:0019503, HP:0007700.

Submission:

Labcorp Genetics (formerly Invitae), Labcorp
Classification: Uncertain significance for Anterior segment dysgenesis; Congenital primary aphakia. Last evaluated: 2024-08-14. Review status: criteria provided, single submitter. Criteria: Invitae Variant Classification Sherloc (09022015). Collection method: clinical testing. Allele origin: germline.
Comment: This sequence change replaces serine, which is neutral and polar, with leucine, which is neutral and non-polar, at codon 211 of the FOXE3 protein (p.Ser211Leu). This variant is not present in population databases (gnomAD no frequency). This variant has not been reported in the literature in individuals affected with FOXE3-related conditions. Invitae Evidence Modeling of protein sequence and biophysical properties (such as structural, functional, and spatial information, amino acid conservation, physicochemical variation, residue mobility, and thermodynamic stability) indicates that this missense variant is not expected to disrupt FOXE3 protein function with a negative predictive value of 80%. In summary, the available evidence is currently insufficient to determine the role of this variant in disease. Therefore, it has been classified as a Variant of Uncertain Significance.